The following is an entry in ClinVar:

NM_004006.3(DMD):c.6913-3843_6913-3842insCCG

Gene: DMD (dystrophin; minus strand). Cytogenetic location: Xp21.1.
Variant type: Insertion.
Coding change: c.6913-3843_6913-3842insCCG on transcript NM_004006.3 (MANE Select); 3843 bases into the intron before coding-DNA position 6913 through 3842 bases into the intron before coding-DNA position 6913, CCG inserted.
Molecular consequence: intron variant.
Genome position: GRCh38 VCF-style: chrX-31879215-G-GGGC. GRCh37 (hg19) VCF-style: chrX-31897332-G-GGGC.
Other names: c.6889-3843_6889-3842insCCG (NM_000109.4); c.2890-3843_2890-3842insCCG (NM_004011.4); c.2881-3843_2881-3842insCCG (NM_004012.4); c.-468-3843_-468-3842insCCG (NM_004023.3, NM_004020.4, NM_004022.3 and 2 more transcripts); c.6901-3843_6901-3842insCCG (NM_004009.3); c.6544-3843_6544-3842insCCG (NM_004010.3).
Identifiers: ClinVar variation 675496 (VCV000675496.1), dbSNP rs756175026, ClinGen allele CA328483431.

ClinVar aggregate classification (germline): Likely benign (1 of 4 stars; one submission).

Submission:

GeneDx
Classification: Likely benign. Last evaluated: 2018-06-14. Review status: criteria provided, single submitter. Criteria: GeneDx Variant Classification (06012015). Collection method: clinical testing. Allele origin: germline. Affected: yes.
Comment: This variant is considered likely benign or benign based on one or more of the following criteria: it is a conservative change, it occurs at a poorly conserved position in the protein, it is predicted to be benign by multiple in silico algorithms, and/or has population frequency not consistent with disease.